The following is an entry in ClinVar:

ClinVar aggregate classification (germline): Uncertain significance (1 of 4 stars; one submission).

gnomAD v4.1: 29 of 1,607,566 alleles (0.0018%); highest among the groups gnomAD compares: East Asian, 0.013%; no homozygotes.

Submission:

Labcorp Genetics (formerly Invitae), Labcorp
Classification: Uncertain significance. Last evaluated: 2024-06-22. Review status: criteria provided, single submitter. Criteria: Invitae Variant Classification Sherloc (09022015). Collection method: clinical testing. Allele origin: germline.
Comment: This sequence change replaces proline, which is neutral and non-polar, with arginine, which is basic and polar, at codon 316 of the SIX5 protein (p.Pro316Arg). This variant is present in population databases (rs561325897, gnomAD 0.01%). This variant has not been reported in the literature in individuals affected with SIX5-related conditions. Advanced modeling of protein sequence and biophysical properties (such as structural, functional, and spatial information, amino acid conservation, physicochemical variation, residue mobility, and thermodynamic stability) performed at Invitae indicates that this missense variant is not expected to disrupt SIX5 protein function with a negative predictive value of 80%. In summary, the available evidence is currently insufficient to determine the role of this variant in disease. Therefore, it has been classified as a Variant of Uncertain Significance.

NM_175875.5(SIX5):c.947C>G (p.Pro316Arg)

Genes: SIX5 (SIX homeobox 5; minus strand), LOC107075317 (origin of replication in DMPK trinucleotide repeat region; plus strand). Cytogenetic location: 19q13.32.
Variant type: single nucleotide variant.
Coding change: c.947C>G on transcript NM_175875.5 (MANE Select); coding-DNA position 947, C replaced by G.
Protein change: p.Pro316Arg; replaces proline 316 with arginine.
Molecular consequence: missense variant.
Genome position (GRCh38, 1-based): chr19:45,767,012, G>C on the plus strand (C>G on the coding strand, the complement: SIX5 is on the minus strand). VCF-style: chr19-45767012-G-C. GRCh37 (hg19) VCF-style: chr19-46270270-G-C.
Other names: short protein forms P316R.
Identifiers: ClinVar variation 3611970 (VCV003611970.2).